The following is an entry in ClinVar:

ClinVar aggregate classification (germline): Likely benign (1 of 4 stars; one submission).

Allele frequency attached by ClinVar (database versions not stated): gnomAD exomes below 0.00001.
gnomAD v4.1: 1 of 1,614,070 alleles (0.000062%); highest among the groups gnomAD compares: Non-Finnish European, 0.000085%; no homozygotes.

Submission:

GeneDx
Classification: Likely benign. Last evaluated: 2018-03-27. Review status: criteria provided, single submitter. Criteria: GeneDx Variant Classification (06012015). Collection method: clinical testing. Allele origin: germline. Affected: yes.
Comment: This variant is considered likely benign or benign based on one or more of the following criteria: it is a conservative change, it occurs at a poorly conserved position in the protein, it is predicted to be benign by multiple in silico algorithms, and/or has population frequency not consistent with disease.

NM_001267550.2(TTN):c.3151A>G (p.Thr1051Ala)

Gene: TTN (titin; minus strand). Cytogenetic location: 2q31.2.
Variant type: single nucleotide variant.
Coding change: c.3151A>G on transcript NM_001267550.2 (MANE Select); coding-DNA position 3151, A replaced by G.
Protein change: p.Thr1051Ala; replaces threonine 1051 with alanine.
Molecular consequence: missense variant.
Genome position (GRCh38, 1-based): chr2:178,782,552, T>C on the plus strand (A>G on the coding strand, the complement: TTN is on the minus strand). VCF-style: chr2-178782552-T-C. GRCh37 (hg19) VCF-style: chr2-179647279-T-C.
Other names: c.3151A>G, p.Thr1051Ala (NM_001256850.1, NM_133378.4, NM_133379.5); c.3013A>G, p.Thr1005Ala (NM_003319.4, NM_133432.3, NM_133437.4); short protein forms T1051A, T1005A.
Identifiers: ClinVar variation 681372 (VCV000681372.1), dbSNP rs1574765163, ClinGen allele CA349488526.